The following is an entry in ClinVar:

NM_015662.3(IFT172):c.184-6T>A

Gene: IFT172 (intraflagellar transport 172; minus strand). Cytogenetic location: 2p23.3.
Variant type: single nucleotide variant.
Coding change: c.184-6T>A on transcript NM_015662.3 (MANE Select); 6 bases into the intron before coding-DNA position 184, T replaced by A.
Molecular consequence: intron variant.
Genome position (GRCh38, 1-based): chr2:27,485,136, A>T on the plus strand (T>A on the coding strand, the complement: IFT172 is on the minus strand). VCF-style: chr2-27485136-A-T. GRCh37 (hg19) VCF-style: chr2-27708003-A-T.
Other names: c.184-6T>A (NM_015662.2).
Identifiers: ClinVar variation 1014972 (VCV001014972.12), dbSNP rs371658303, ClinGen allele CA1581081.

ClinVar aggregate classification (germline): Conflicting classifications of pathogenicity. Review status: criteria provided, conflicting classifications (1 of 4 stars). 4 submissions from 4 submitters: Uncertain significance (2); Likely benign (1). 1 of the submissions does not count toward it. Last evaluated 2024-10-24.

Conditions:
Retinitis pigmentosa 71 (RP71). Identifiers: Orphanet 791, MedGen C4225342, MONDO:0014618, OMIM 616394.
Short-rib thoracic dysplasia 10 with or without polydactyly (SRTD10). Identifiers: Orphanet 474, MedGen C3810175, MONDO:0014284, OMIM 615630.
IFT172-related disorder. Also called: IFT172-related disorders; IFT172-related condition.
Bardet-Biedl syndrome 20. Identifiers: MedGen C4310707, MONDO:0023670, OMIM 619471, MONDO:0014926.

Allele frequency attached by ClinVar (database versions not stated): ExAC 0.00002; gnomAD exomes 0.00002; TOPMed 0.00002; gnomAD 0.00003 and 0.00004; ESP Exome Variant Server 0.00008.
gnomAD v4.1: 32 of 1,532,412 alleles (0.0021%); highest among the groups gnomAD compares: Non-Finnish European, 0.0029%; no homozygotes.

Submissions (4):

Labcorp Genetics (formerly Invitae), Labcorp
Classification: Likely benign for Retinitis pigmentosa 71; Short-rib thoracic dysplasia 10 with or without polydactyly. Last evaluated: 2024-10-24. Review status: criteria provided, single submitter. Criteria: Invitae Variant Classification Sherloc (09022015). Collection method: clinical testing. Allele origin: germline.

Blueprint Genetics
Classification: Uncertain significance. Last evaluated: 2024-01-11. Review status: criteria provided, single submitter. Criteria: ACMG Guidelines, 2015. Collection method: clinical testing. Allele origin: germline.

Fulgent Genetics
Classification: Uncertain significance for Short-rib thoracic dysplasia 10 with or without polydactyly; Retinitis pigmentosa 71; Bardet-Biedl syndrome 20. Last evaluated: 2022-04-30. Review status: criteria provided, single submitter. Criteria: ACMG Guidelines, 2015. Collection method: clinical testing. Allele origin: unknown.

PreventionGenetics, part of Exact Sciences
Classification: Likely benign for IFT172-related condition. Last evaluated: 2024-04-05. Review status: no assertion criteria provided. Collection method: clinical testing. Allele origin: germline. Not counted in ClinVar's aggregate classification.
Comment: This variant is classified as likely benign based on ACMG/AMP sequence variant interpretation guidelines (Richards et al. 2015 PMID: 25741868, with internal and published modifications).